The following is an entry in ClinVar:

ClinVar aggregate classification (germline): Uncertain significance (1 of 4 stars; one submission).

Submission:

GeneDx
Classification: Uncertain significance. Last evaluated: 2022-11-02. Review status: criteria provided, single submitter. Criteria: GeneDx Variant Classification Process June 2021. Collection method: clinical testing. Allele origin: germline. Affected: yes.
Comment: Not observed at significant frequency in large population cohorts (gnomAD); In silico analysis supports that this missense variant has a deleterious effect on protein structure/function; Has not been previously published as pathogenic or benign to our knowledge

NM_014991.6(WDFY3):c.2335T>C (p.Ser779Pro)

Genes: WDFY3 (WD repeat and FYVE domain containing 3; minus strand), WDFY3-AS1 (WDFY3 antisense RNA 1; plus strand). Cytogenetic location: 4q21.23.
Variant type: single nucleotide variant.
Coding change: c.2335T>C on transcript NM_014991.6 (MANE Select); coding-DNA position 2335, T replaced by C.
Protein change: p.Ser779Pro; replaces serine 779 with proline.
Molecular consequence: missense variant.
Genome position (GRCh38, 1-based): chr4:84,809,897, A>G on the plus strand (T>C on the coding strand, the complement: WDFY3 is on the minus strand). VCF-style: chr4-84809897-A-G. GRCh37 (hg19) VCF-style: chr4-85731050-A-G.
Other names: short protein forms S779P.
Identifiers: ClinVar variation 2501392 (VCV002501392.1), dbSNP rs2534270485, ClinGen allele CA357567275.